The following is an entry in ClinVar:

NM_000709.4(BCKDHA):c.701_702del (p.Cys234fs)

Gene: BCKDHA (branched chain keto acid dehydrogenase E1 subunit alpha; plus strand). Cytogenetic location: 19q13.2.
Variant type: Deletion.
Coding change: c.701_702del on transcript NM_000709.4 (MANE Select); coding-DNA positions 701 to 702, 2 bases deleted (GT; older notation c.701_702delGT).
Protein change: p.Cys234fs; shifts the reading frame from cysteine 234.
Molecular consequence: frameshift variant.
Genome position (GRCh38, 1-based): chr19:41,422,218-41,422,219, GT deleted; deleting any 2 consecutive bases within chr19:41,422,217-41,422,219 gives the same sequence; the c. name uses the placement nearest the transcript's 3' end. VCF-style (leftmost placement, unchanged base first): chr19-41422216-CTG-C. GRCh37 (hg19) VCF-style: chr19-41928121-CTG-C.
Other names: c.701_702del, p.Cys234fs (NM_001164783.2); short protein forms C234fs.
Identifiers: ClinVar variation 1075126 (VCV001075126.8), dbSNP rs2122142979, ClinGen allele CA2499225496.
Genomic context (GRCh38, chr19:41,422,216, plus strand): 5'-CCCTGCAGCGGTGGGGGCGGCGTACGCAGCCAAGCGGGCCAATGCCAACAGGGTCGTCAT[CTG>C]TTACTTCGGCGAGGGGGCAGCCAGTGAGGGGGACGCCCATGCCGGCTTCAACTTCGCTGC-3'

ClinVar aggregate classification (germline): Pathogenic. Review status: criteria provided, multiple submitters, no conflicts (2 of 4 stars). 2 submissions from 2 submitters: Pathogenic (2). Last evaluated 2021-10-18.

Conditions:
Maple syrup urine disease type 1A (MSUD1A). Also called: MSUD type 1A. Identifiers: MedGen C1855369, MONDO:0023691, OMIM 248600.
Maple syrup urine disease (MSUD). Identifiers: Orphanet 511, MedGen C0024776, MeSH D008375, MONDO:0009563. Disease mechanism: loss of function.

Submissions (2):

Labcorp Genetics (formerly Invitae), Labcorp
Classification: Pathogenic for Maple syrup urine disease. Last evaluated: 2021-10-18. Review status: criteria provided, single submitter. Criteria: Invitae Variant Classification Sherloc (09022015). Collection method: clinical testing. Allele origin: germline.
Comment: ClinVar contains an entry for this variant (Variation ID: 1075126). This variant has not been reported in the literature in individuals affected with BCKDHA-related conditions. This variant is not present in population databases (ExAC no frequency). This sequence change creates a premature translational stop signal (p.Cys234Leufs*9) in the BCKDHA gene. It is expected to result in an absent or disrupted protein product. Loss-of-function variants in BCKDHA are known to be pathogenic (PMID: 16786533, 22593002). For these reasons, this variant has been classified as Pathogenic.

Kariminejad - Najmabadi Pathology & Genetics Center
Classification: Pathogenic for Maple syrup urine disease type 1A. Review status: criteria provided, single submitter. Criteria: ACMG Guidelines, 2015. Collection method: clinical testing. Allele origin: germline. Affected: no.

Literature cited by the submitters: PubMed 16786533 (cited by Labcorp Genetics (formerly Invitae), Labcorp); PubMed 22593002 (cited by Labcorp Genetics (formerly Invitae), Labcorp).